The following is an entry in ClinVar:

ClinVar aggregate classification (germline): Uncertain significance (1 of 4 stars; one submission).

Submission:

Labcorp Genetics (formerly Invitae), Labcorp
Classification: Uncertain significance. Last evaluated: 2022-04-07. Review status: criteria provided, single submitter. Criteria: Invitae Variant Classification Sherloc (09022015). Collection method: clinical testing. Allele origin: germline.
Comment: In summary, the available evidence is currently insufficient to determine the role of this variant in disease. Therefore, it has been classified as a Variant of Uncertain Significance. Algorithms developed to predict the effect of missense changes on protein structure and function are either unavailable or do not agree on the potential impact of this missense change (SIFT: "Tolerated"; PolyPhen-2: "Possibly Damaging"; Align-GVGD: "Class C0"). This variant has not been reported in the literature in individuals affected with ITGA3-related conditions. This variant is not present in population databases (gnomAD no frequency). This sequence change replaces glutamic acid, which is acidic and polar, with aspartic acid, which is acidic and polar, at codon 44 of the ITGA3 protein (p.Glu44Asp).

NM_002204.4(ITGA3):c.132G>T (p.Glu44Asp)

Gene: ITGA3 (integrin subunit alpha 3; plus strand). Cytogenetic location: 17q21.33.
Variant type: single nucleotide variant.
Coding change: c.132G>T on transcript NM_002204.4 (MANE Select); coding-DNA position 132, G replaced by T.
Protein change: p.Glu44Asp; replaces glutamic acid 44 with aspartic acid.
Molecular consequence: missense variant.
Genome position (GRCh38, 1-based): chr17:50,056,571, G>T. VCF-style: chr17-50056571-G-T. GRCh37 (hg19) VCF-style: chr17-48133935-G-T.
Other names: short protein forms E44D.
Identifiers: ClinVar variation 2117296 (VCV002117296.4), dbSNP rs2508892813, ClinGen allele CA400170824.